The following is an entry in ClinVar:

NM_002693.3(POLG):c.3058A>G (p.Ile1020Val)

Gene: POLG (DNA polymerase gamma, catalytic subunit; minus strand). Cytogenetic location: 15q26.1.
Variant type: single nucleotide variant.
Coding change: c.3058A>G on transcript NM_002693.3 (MANE Select); coding-DNA position 3058, A replaced by G.
Protein change: p.Ile1020Val; replaces isoleucine 1020 with valine.
Molecular consequence: missense variant.
Genome position (GRCh38, 1-based): chr15:89,319,274, T>C on the plus strand (A>G on the coding strand, the complement: POLG is on the minus strand). VCF-style: chr15-89319274-T-C. GRCh37 (hg19) VCF-style: chr15-89862505-T-C.
Other names: c.3058A>G, p.Ile1020Val (NM_001126131.2); short protein forms I1020V.
Identifiers: ClinVar variation 3672898 (VCV003672898.2).

ClinVar aggregate classification (germline): Uncertain significance (1 of 4 stars; one submission).

Conditions:
Progressive sclerosing poliodystrophy (MTDPS4A). Also called: ALPERS PROGRESSIVE INFANTILE POLIODYSTROPHY; NEURONAL DEGENERATION OF CHILDHOOD WITH LIVER DISEASE, PROGRESSIVE; Alpers Syndrome; ALPERS DIFFUSE DEGENERATION OF CEREBRAL GRAY MATTER WITH HEPATIC CIRRHOSIS; Alpers-Huttenlocher Syndrome; Mitochondrial DNA depletion syndrome 4A (Alpers type). Identifiers: Orphanet 726, MedGen C0205710, MONDO:0008758, OMIM 203700.

Submission:

Labcorp Genetics (formerly Invitae), Labcorp
Classification: Uncertain significance for Progressive sclerosing poliodystrophy. Last evaluated: 2024-10-12. Review status: criteria provided, single submitter. Criteria: Invitae Variant Classification Sherloc (09022015). Collection method: clinical testing. Allele origin: germline.
Comment: This sequence change replaces isoleucine, which is neutral and non-polar, with valine, which is neutral and non-polar, at codon 1020 of the POLG protein (p.Ile1020Val). This variant is not present in population databases (gnomAD no frequency). This variant has not been reported in the literature in individuals affected with POLG-related conditions. Invitae Evidence Modeling of protein sequence and biophysical properties (such as structural, functional, and spatial information, amino acid conservation, physicochemical variation, residue mobility, and thermodynamic stability) indicates that this missense variant is not expected to disrupt POLG protein function with a negative predictive value of 95%. In summary, the available evidence is currently insufficient to determine the role of this variant in disease. Therefore, it has been classified as a Variant of Uncertain Significance.